The following is an entry in ClinVar:

NC_000015.10:g.84817147G>A

Gene: ALPK3 (alpha kinase 3; plus strand). Cytogenetic location: 15q25.3.
Variant type: single nucleotide variant.
Genome position: GRCh38 VCF-style: chr15-84817147-G-A. GRCh37 (hg19) VCF-style: chr15-85360378-G-A.
Identifiers: ClinVar variation 451224 (VCV000451224.15), dbSNP rs868375261, ClinGen allele CA273650839.

ClinVar aggregate classification (germline): Conflicting classifications of pathogenicity. Review status: criteria provided, conflicting classifications (1 of 4 stars). 4 submissions from 4 submitters: Uncertain significance (3); Likely benign (1). Last evaluated 2026-05-11.

Conditions:
Primary dilated cardiomyopathy (DCM). Also called: Dilated Cardiomyopathy. Identifiers: Orphanet 217604, MedGen C0007193, MeSH D002311, MONDO:0005021, HP:0001644. Inheritance: Various modes of inheritance.
Cardiomyopathy, familial hypertrophic 27. Identifiers: MedGen C4748014, MONDO:0054838, OMIM 618052.
ALPK3-related disorder. Also called: ALPK3-related condition.
Cardiovascular phenotype. Identifiers: MedGen CN230736.

Allele frequency attached by ClinVar (database versions not stated): gnomAD 0.00004 and 0.00006; gnomAD exomes 0.00004 and 0.00002; TOPMed 0.00006.

Submissions (4):

PreventionGenetics, part of Exact Sciences
Classification: Uncertain significance for ALPK3-related condition. Last evaluated: 2026-05-11. Review status: criteria provided, single submitter. Criteria: ACMG Guidelines, 2015. Collection method: clinical testing. Allele origin: germline.
Comment: The ALPK3 c.301G>A variant is predicted to result in the amino acid substitution p.Gly101Arg. To our knowledge, this variant has not been reported in the literature. This variant is reported in 0.019% of alleles in individuals of Latino descent in gnomAD. At this time, the clinical significance of this variant is uncertain due to the absence of conclusive functional and genetic evidence.

Labcorp Genetics (formerly Invitae), Labcorp
Classification: Uncertain significance. Last evaluated: 2025-10-22. Review status: criteria provided, single submitter. Criteria: Invitae Variant Classification Sherloc (09022015). Collection method: clinical testing. Allele origin: germline.
Comment: This sequence change replaces glycine, which is neutral and non-polar, with arginine, which is basic and polar, at codon 101 of the ALPK3 protein (p.Gly101Arg). The frequency data for this variant in the population databases is considered unreliable, as metrics indicate poor data quality at this position in the gnomAD database. This variant has not been reported in the literature in individuals affected with ALPK3-related conditions. ClinVar contains an entry for this variant (Variation ID: 451224). An algorithm developed to predict the effect of missense changes on protein structure and function (PolyPhen-2) suggests that this variant is likely to be disruptive. In summary, the available evidence is currently insufficient to determine the role of this variant in disease. Therefore, it has been classified as a Variant of Uncertain Significance.

Ambry Genetics
Classification: Likely benign for Cardiovascular phenotype. Last evaluated: 2024-09-05. Review status: criteria provided, single submitter. Criteria: Ambry Variant Classification Scheme 2023. Collection method: clinical testing. Allele origin: germline.

GeneDx
Classification: Uncertain significance. Last evaluated: 2018-12-03. Review status: criteria provided, single submitter. Criteria: GeneDx Variant Classification (06012015). Collection method: clinical testing. Allele origin: germline. Affected: yes.
Comment: The G101R variant of uncertain significance in the ALPK3 gene has not been published as pathogenic or been reported as benign to our knowledge. This variant is not observed at a significant frequency in large population cohorts (Lek et al., 2016). The G101R variant is a non-conservative amino acid substitution, which is likely to impact secondary protein structure as these residues differ in polarity, charge, size and/or other properties. However, in-silico analyses, including protein predictors and evolutionary conservation, support that this variant does not alter protein structure/function. Therefore, based on the currently available information, it is unclear whether this variant is pathogenic or rare benign.